The following is an entry in ClinVar:

NM_001035.3(RYR2):c.9367+6T>C

Gene: RYR2 (ryanodine receptor 2; plus strand). Cytogenetic location: 1q43.
Variant type: single nucleotide variant.
Coding change: c.9367+6T>C on transcript NM_001035.3 (MANE Select); 6 bases into the intron after coding-DNA position 9367, T replaced by C.
Molecular consequence: intron variant.
Genome position (GRCh38, 1-based): chr1:237,700,473, T>C. VCF-style: chr1-237700473-T-C. GRCh37 (hg19) VCF-style: chr1-237863773-T-C.
Identifiers: ClinVar variation 2035005 (VCV002035005.4), dbSNP rs2547366119, ClinGen allele CA2580062404.

ClinVar aggregate classification (germline): Uncertain significance (1 of 4 stars; one submission).

Conditions:
Catecholaminergic polymorphic ventricular tachycardia 1. Also called: RYR2-Related Catecholaminergic Polymorphic Ventricular Tachycardia; VENTRICULAR TACHYCARDIA, STRESS-INDUCED POLYMORPHIC 1; VENTRICULAR TACHYCARDIA, CATECHOLAMINERGIC POLYMORPHIC, 1, WITH OR WITHOUT ATRIAL DYSFUNCTION AND/OR DILATED CARDIOMYOPATHY. Identifiers: Orphanet 3286, MedGen C1631597, MONDO:0011484, OMIM 604772.

Submission:

Labcorp Genetics (formerly Invitae), Labcorp
Classification: Uncertain significance for Catecholaminergic polymorphic ventricular tachycardia 1. Last evaluated: 2022-10-10. Review status: criteria provided, single submitter. Criteria: Invitae Variant Classification Sherloc (09022015). Collection method: clinical testing. Allele origin: germline.
Comment: This sequence change falls in intron 65 of the RYR2 gene. It does not directly change the encoded amino acid sequence of the RYR2 protein. It affects a nucleotide within the consensus splice site. In summary, the available evidence is currently insufficient to determine the role of this variant in disease. Therefore, it has been classified as a Variant of Uncertain Significance. Variants that disrupt the consensus splice site are a relatively common cause of aberrant splicing (PMID: 17576681, 9536098). Algorithms developed to predict the effect of sequence changes on RNA splicing suggest that this variant may disrupt the consensus splice site. This variant has not been reported in the literature in individuals affected with RYR2-related conditions. This variant is not present in population databases (gnomAD no frequency).

Literature cited by the submitters: PubMed 17576681; PubMed 9536098.